The following is an entry in ClinVar:

NM_003640.5(ELP1):c.2609A>G (p.Asp870Gly)

Gene: ELP1 (elongator acetyltransferase complex subunit 1; minus strand). Cytogenetic location: 9q31.3.
Variant type: single nucleotide variant.
Coding change: c.2609A>G on transcript NM_003640.5 (MANE Select); coding-DNA position 2609, A replaced by G.
Protein change: p.Asp870Gly; replaces aspartic acid 870 with glycine.
Molecular consequence: missense variant.
Genome position (GRCh38, 1-based): chr9:108,896,623, T>C on the plus strand (A>G on the coding strand, the complement: ELP1 is on the minus strand). VCF-style: chr9-108896623-T-C. GRCh37 (hg19) VCF-style: chr9-111658903-T-C.
Other names: c.2267A>G, p.Asp756Gly (NM_001318360.2); c.1562A>G, p.Asp521Gly (NM_001330749.2); short protein forms D521G, D756G, D870G.
Identifiers: ClinVar variation 3385234 (VCV003385234.1).

ClinVar aggregate classification (germline): Uncertain significance (1 of 4 stars; one submission).

gnomAD v4.1: 13 of 1,614,020 alleles (0.00081%); highest among the groups gnomAD compares: Non-Finnish European, 0.00076%; no homozygotes.

Submission:

Women's Health and Genetics/Laboratory Corporation of America, LabCorp
Classification: Uncertain significance. Last evaluated: 2024-10-17. Review status: criteria provided, single submitter. Criteria: LabCorp Variant Classification Summary - May 2015. Collection method: clinical testing. Allele origin: germline.
Comment: Variant summary: ELP1 c.2609A>G (p.Asp870Gly) results in a non-conservative amino acid change in the encoded protein sequence. Three of five in-silico tools predict a benign effect of the variant on protein function. The variant allele was found at a frequency of 8.1e-06 in 1614020 control chromosomes. This frequency is not significantly higher than estimated for a pathogenic variant in ELP1 causing Familial Dysautonomia (8.1e-06 vs 0.0018), allowing no conclusion about variant significance. To our knowledge, no occurrence of c.2609A>G in individuals affected with Familial Dysautonomia and no experimental evidence demonstrating its impact on protein function have been reported. No submitters have cited clinical-significance assessments for this variant to ClinVar. Based on the evidence outlined above, the variant was classified as uncertain significance.